The following is an entry in ClinVar:

ClinVar aggregate classification (germline): Likely pathogenic (1 of 4 stars; one submission).

Conditions:
LRBA deficiency.

Submission:

Regional Center For Medical Genetics Timis, Louis Turcanu Emergency Hospital for Children Timisoara
Classification: Likely pathogenic for LRBA deficiency. Last evaluated: 2025-01-12. Review status: criteria provided, single submitter. Criteria: ACMG Guidelines, 2015. Collection method: clinical testing. Allele origin: germline. Affected: yes. Observed: 1 variant allele.
Comment: This variant has not been previously reported in healthy population databases (gnomAD v4.1.0). This variant is associated with frameshift, protein truncation/premature transcript degradation and loss of function (LOF). LOF LRBA variants are known to be pathogenic. This variant was detected in trans, alongside another likely pathogenic variant. Therefore, this variant was classified as pathogenic, according to ACMG and ClinGen classifications. (PM2_Supporting, PVS1, PM3)

NM_001364905.1(LRBA):c.7890del (p.Thr2631fs)

Gene: LRBA (LPS responsive beige-like anchor protein; minus strand). Cytogenetic location: 4q31.3.
Variant type: Deletion.
Coding change: c.7890del on transcript NM_001364905.1 (MANE Select); coding-DNA position 7890, one base deleted (C; older notation c.7890delC).
Protein change: p.Thr2631fs; shifts the reading frame from threonine 2631.
Molecular consequence: frameshift variant.
Genome position (GRCh38, 1-based): chr4:150,302,752, G deleted on the plus strand (C on the coding strand, the reverse complement: LRBA is on the minus strand). VCF-style (leftmost placement, unchanged base first): chr4-150302751-TG-T. GRCh37 (hg19) VCF-style: chr4-151223903-TG-T.
Other names: c.7890delC, p.Thr2631Leufs (NM_001199282.3); c.7905del, p.Thr2636fs (NM_001367550.1); c.7923delC, p.Thr2642Leufs (NM_006726.5); short protein forms T2631fs, T2636fs, T2642fs.
Identifiers: ClinVar variation 3572947 (VCV003572947.1).